The following is an entry in ClinVar:

ClinVar aggregate classification (germline): Likely pathogenic (1 of 4 stars; one submission).

Conditions:
Autosomal recessive nonsyndromic hearing loss 9. Also called: OTOF-Related Hearing Loss; AUDITORY NEUROPATHY, AUTOSOMAL RECESSIVE, 1, TEMPERATURE-SENSITIVE; NEUROSENSORY NONSYNDROMIC RECESSIVE DEAFNESS 9; Deafness, autosomal recessive 9. Identifiers: Orphanet 90636, MedGen C1832828, MONDO:0010986, OMIM 601071.

Submission:

Neuberg Centre For Genomic Medicine, NCGM
Classification: Likely pathogenic for Autosomal recessive nonsyndromic hearing loss 9. Review status: criteria provided, single submitter. Criteria: ACMG Guidelines, 2015. Collection method: clinical testing. Allele origin: germline. Inheritance: Autosomal recessive inheritance. Affected: yes.
Comment: The frame shift c.2499_2500insT p.Lys834Ter variant in OTOF gene has not been reported previously as a pathogenic variant nor as a benign variant, to our knowledge. The p.Lys834Ter variant is novel not in any individuals in gnomAD Exomes and is novel not in any individuals in 1000 Genomes. This variant has not been reported to the ClinVar database. This variant is predicted to cause loss of normal protein function through protein truncation. Loss of function variants have been previously reported to be disease causing. For these reasons, this variant has been classified as Likely Pathogenic.

NM_194248.3(OTOF):c.2499_2500insT (p.Lys834Ter)

Gene: OTOF (otoferlin; minus strand). Cytogenetic location: 2p23.3.
Variant type: Insertion.
Coding change: c.2499_2500insT on transcript NM_194248.3 (MANE Select); coding-DNA positions 2499 to 2500, T inserted.
Protein change: p.Lys834Ter; replaces lysine 834 with a stop codon.
Molecular consequence: nonsense.
Genome position: GRCh38 VCF-style: chr2-26477195-T-TA. GRCh37 (hg19) VCF-style: chr2-26700063-T-TA.
Other names: c.2499_2500insT, p.Lys834Ter (NM_001287489.2); c.258_259insT, p.Lys87Ter (NM_004802.4, NM_194323.3); c.429_430insT, p.Lys144Ter (NM_194322.3); short protein forms K144*, K834*, K87*.
Identifiers: ClinVar variation 3236447 (VCV003236447.2), dbSNP rs2465593273, ClinGen allele CA2825001081.